The following is an entry in ClinVar:

ClinVar aggregate classification (germline): Uncertain significance (1 of 4 stars; one submission).

Submission:

Labcorp Genetics (formerly Invitae), Labcorp
Classification: Uncertain significance. Last evaluated: 2021-12-06. Review status: criteria provided, single submitter. Criteria: Invitae Variant Classification Sherloc (09022015). Collection method: clinical testing. Allele origin: germline.
Comment: This sequence change replaces cysteine, which is neutral and slightly polar, with glycine, which is neutral and non-polar, at codon 2382 of the LRP2 protein (p.Cys2382Gly). This variant is not present in population databases (gnomAD no frequency). This variant has not been reported in the literature in individuals affected with LRP2-related conditions. Advanced modeling of protein sequence and biophysical properties (such as structural, functional, and spatial information, amino acid conservation, physicochemical variation, residue mobility, and thermodynamic stability) performed at Invitae indicates that this missense variant is expected to disrupt LRP2 protein function. In summary, the available evidence is currently insufficient to determine the role of this variant in disease. Therefore, it has been classified as a Variant of Uncertain Significance.

NM_004525.3(LRP2):c.7144T>G (p.Cys2382Gly)

Gene: LRP2 (LDL receptor related protein 2; minus strand). Cytogenetic location: 2q31.1.
Variant type: single nucleotide variant.
Coding change: c.7144T>G on transcript NM_004525.3 (MANE Select); coding-DNA position 7144, T replaced by G.
Protein change: p.Cys2382Gly; replaces cysteine 2382 with glycine.
Molecular consequence: missense variant.
Genome position (GRCh38, 1-based): chr2:169,206,576, A>C on the plus strand (T>G on the coding strand, the complement: LRP2 is on the minus strand). VCF-style: chr2-169206576-A-C. GRCh37 (hg19) VCF-style: chr2-170063086-A-C.
Other names: short protein forms C2382G.
Identifiers: ClinVar variation 1355139 (VCV001355139.6), dbSNP rs2105332967, ClinGen allele CA349171460.